The following is an entry in ClinVar:

ClinVar aggregate classification (germline): Uncertain significance (1 of 4 stars; one submission).

Conditions:
Familial thoracic aortic aneurysm and aortic dissection (TAAD). Also called: Thoracic aortic aneurysms and dissections. Identifiers: Orphanet 91387, MedGen C4707243, MONDO:0019625.

Submission:

Labcorp Genetics (formerly Invitae), Labcorp
Classification: Uncertain significance for Familial thoracic aortic aneurysm and aortic dissection. Last evaluated: 2023-05-16. Review status: criteria provided, single submitter. Criteria: Invitae Variant Classification Sherloc (09022015). Collection method: clinical testing. Allele origin: germline.
Comment: This sequence change replaces phenylalanine, which is neutral and non-polar, with tyrosine, which is neutral and polar, at codon 150 of the SMAD3 protein (p.Phe150Tyr). This variant is not present in population databases (gnomAD no frequency). This variant has not been reported in the literature in individuals affected with SMAD3-related conditions. Advanced modeling of protein sequence and biophysical properties (such as structural, functional, and spatial information, amino acid conservation, physicochemical variation, residue mobility, and thermodynamic stability) performed at Invitae indicates that this missense variant is not expected to disrupt SMAD3 protein function. In summary, the available evidence is currently insufficient to determine the role of this variant in disease. Therefore, it has been classified as a Variant of Uncertain Significance.

NM_005902.4(SMAD3):c.449T>A (p.Phe150Tyr)

Gene: SMAD3 (SMAD family member 3; plus strand). Cytogenetic location: 15q22.33.
Variant type: single nucleotide variant.
Coding change: c.449T>A on transcript NM_005902.4 (MANE Select); coding-DNA position 449, T replaced by A.
Protein change: p.Phe150Tyr; replaces phenylalanine 150 with tyrosine.
Molecular consequence: missense variant. On other transcripts: intron variant (2).
Genome position (GRCh38, 1-based): chr15:67,165,301, T>A. VCF-style: chr15-67165301-T-A. GRCh37 (hg19) VCF-style: chr15-67457639-T-A.
Other names: c.134T>A, p.Phe45Tyr (NM_001145102.2, NM_001407016.1); c.317T>A, p.Phe106Tyr (NM_001145103.2); c.449T>A, p.Phe150Tyr (NM_001407011.1, NM_001407013.1); c.302T>A, p.Phe101Tyr (NM_001407014.1); c.400+213T>A (NM_001407012.1); c.85+213T>A (NM_001407015.1); short protein forms F101Y, F150Y, F106Y, F45Y.
Identifiers: ClinVar variation 2864883 (VCV002864883.3), dbSNP rs1595942205, ClinGen allele CA392954326.
Genomic context (GRCh38, chr15:67,165,301, plus strand): 5'-TCCCCCGGACAGTTCTACCTCCTGTGTTGGTGCCACGCCACACAGAGATCCCGGCCGAGT[T>A]CCCCCCACTGGACGACTACAGCCATTCCATCCCCGAAAACACTAACTTCCCCGCAGGCAT-3'
Protein context (NP_005893.1, residues 140-160): VPRHTEIPAE[Phe150Tyr]PPLDDYSHSI